The following is an entry in ClinVar:

NM_000038.6(APC):c.6539A>C (p.Lys2180Thr)

Gene: APC (APC regulator of Wnt signaling pathway; plus strand). Cytogenetic location: 5q22.2.
Variant type: single nucleotide variant.
Coding change: c.6539A>C on transcript NM_000038.6 (MANE Select); coding-DNA position 6539, A replaced by C.
Protein change: p.Lys2180Thr; replaces lysine 2180 with threonine.
Molecular consequence: missense variant.
Genome position (GRCh38, 1-based): chr5:112,842,133, A>C. VCF-style: chr5-112842133-A-C. GRCh37 (hg19) VCF-style: chr5-112177830-A-C.
Other names: c.6539A>C, p.Lys2180Thr (NM_001127510.3, NM_001354895.2); c.6485A>C, p.Lys2162Thr (NM_001127511.3); c.6593A>C, p.Lys2198Thr (NM_001354896.2); c.6569A>C, p.Lys2190Thr (NM_001354897.2); c.6464A>C, p.Lys2155Thr (NM_001354898.2); c.6455A>C, p.Lys2152Thr (NM_001354899.2); c.6416A>C, p.Lys2139Thr (NM_001354900.2); c.6362A>C, p.Lys2121Thr (NM_001354901.2); and 5 more; short protein forms K2162T, K2180T, K2089T, K2139T, K2054T, K2152T, K2190T, K1897T.
Identifiers: ClinVar variation 487029 (VCV000487029.14), dbSNP rs762955111, ClinGen allele CA16035636.

ClinVar aggregate classification (germline): Uncertain significance. Review status: criteria provided, multiple submitters, no conflicts (2 of 4 stars). 2 submissions from 2 submitters: Uncertain significance (2). Last evaluated 2025-05-26.

Conditions:
Hereditary cancer-predisposing syndrome. Also called: Tumor predisposition; Hereditary Cancer Syndrome; Hereditary neoplastic syndrome; Neoplastic Syndromes, Hereditary. Identifiers: Orphanet 140162, MedGen C0027672, MeSH D009386, MONDO:0015356.
Familial adenomatous polyposis 1 (FAP1). Also called: FAMILIAL ADENOMATOUS POLYPOSIS 1, ATTENUATED; POLYPOSIS, ADENOMATOUS INTESTINAL. Identifiers: MedGen C2713442, MONDO:0021056, OMIM 175100. Disease mechanism: loss of function.

Submissions (2):

Labcorp Genetics (formerly Invitae), Labcorp
Classification: Uncertain significance for Familial adenomatous polyposis 1. Last evaluated: 2025-05-26. Review status: criteria provided, single submitter. Criteria: Invitae Variant Classification Sherloc (09022015). Collection method: clinical testing. Allele origin: germline.
Comment: This sequence change replaces lysine, which is basic and polar, with threonine, which is neutral and polar, at codon 2180 of the APC protein (p.Lys2180Thr). This variant is not present in population databases (gnomAD no frequency). This variant has not been reported in the literature in individuals affected with APC-related conditions. ClinVar contains an entry for this variant (Variation ID: 487029). Invitae Evidence Modeling of protein sequence and biophysical properties (such as structural, functional, and spatial information, amino acid conservation, physicochemical variation, residue mobility, and thermodynamic stability) indicates that this missense variant is not expected to disrupt APC protein function with a negative predictive value of 95%. In summary, the available evidence is currently insufficient to determine the role of this variant in disease. Therefore, it has been classified as a Variant of Uncertain Significance.

Ambry Genetics
Classification: Uncertain significance for Hereditary cancer-predisposing syndrome. Last evaluated: 2024-02-15. Review status: criteria provided, single submitter. Criteria: Ambry Variant Classification Scheme 2023. Collection method: clinical testing. Allele origin: germline.
Comment: The p.K2180T variant (also known as c.6539A>C), located in coding exon 15 of the APC gene, results from an A to C substitution at nucleotide position 6539. The lysine at codon 2180 is replaced by threonine, an amino acid with similar properties. This amino acid position is highly conserved in available vertebrate species. In addition, in silico predictors for this gene do not accurately predict pathogenicity. Based on the available evidence, the clinical significance of this alteration remains unclear.